The following is an entry in ClinVar:

ClinVar aggregate classification (germline): Uncertain significance. Review status: criteria provided, multiple submitters, no conflicts (2 of 4 stars). 2 submissions from 2 submitters: Uncertain significance (2). Last evaluated 2023-03-21.

Conditions:
Fanconi anemia (FA). Also called: Fanconi's anemia. Identifiers: Orphanet 84, MedGen C0015625, MeSH D005199, MONDO:0019391.
Inborn genetic diseases. Identifiers: MedGen C0950123, MeSH D030342.

Allele frequency attached by ClinVar (database versions not stated): gnomAD exomes below 0.00001; gnomAD 0.00001; TOPMed 0.00001.
gnomAD v4.1: 3 of 1,552,178 alleles (0.00019%); highest among the groups gnomAD compares: African/African-American, 0.0041%; no homozygotes.

Submissions (2):

Ambry Genetics
Classification: Uncertain significance for Inborn genetic diseases. Last evaluated: 2023-03-21. Review status: criteria provided, single submitter. Criteria: Ambry Variant Classification Scheme 2023. Collection method: clinical testing. Allele origin: germline.

Labcorp Genetics (formerly Invitae), Labcorp
Classification: Uncertain significance for Fanconi anemia. Last evaluated: 2022-08-31. Review status: criteria provided, single submitter. Criteria: Invitae Variant Classification Sherloc (09022015). Collection method: clinical testing. Allele origin: germline.
Comment: Algorithms developed to predict the effect of missense changes on protein structure and function (SIFT, PolyPhen-2, Align-GVGD) all suggest that this variant is likely to be tolerated. In summary, the available evidence is currently insufficient to determine the role of this variant in disease. Therefore, it has been classified as a Variant of Uncertain Significance. This variant has not been reported in the literature in individuals affected with FANCI-related conditions. This variant is not present in population databases (gnomAD no frequency). This sequence change replaces glutamic acid, which is acidic and polar, with glycine, which is neutral and non-polar, at codon 855 of the FANCI protein (p.Glu855Gly).

NM_001113378.2(FANCI):c.2564A>G (p.Glu855Gly)

Gene: FANCI (FA complementation group I; plus strand). Cytogenetic location: 15q26.1.
Variant type: single nucleotide variant.
Coding change: c.2564A>G on transcript NM_001113378.2 (MANE Select); coding-DNA position 2564, A replaced by G.
Protein change: p.Glu855Gly; replaces glutamic acid 855 with glycine.
Molecular consequence: missense variant. On other transcripts: intron variant (1).
Genome position (GRCh38, 1-based): chr15:89,295,022, A>G. VCF-style: chr15-89295022-A-G. GRCh37 (hg19) VCF-style: chr15-89838253-A-G.
Other names: c.2285A>G, p.Glu762Gly (NM_001376910.1); c.2564A>G, p.Glu855Gly (NM_001376911.1); c.2456+1025A>G (NM_018193.3); short protein forms E762G, E855G.
Identifiers: ClinVar variation 2198433 (VCV002198433.5), dbSNP rs1326216528, ClinGen allele CA393750940.